The following is an entry in ClinVar:

ClinVar aggregate classification (germline): Benign (1 of 4 stars; one submission).

Conditions:
Methylmalonic aciduria, cblB type (MACB). Also called: Vitamin B12-responsive methylmalonic acidemia type cblB; Methylmalonic acidemia cblB type; METHYLMALONIC ACIDURIA, VITAMIN B12-RESPONSIVE, DUE TO DEFECT IN SYNTHESIS OF ADENOSYLCOBALAMIN, cblB TYPE. Identifiers: Orphanet 28, Orphanet 79311, MedGen C1855102, MONDO:0009614, OMIM 251110.

Allele frequency attached by ClinVar (database versions not stated): ExAC 0.01190; gnomAD exomes 0.01276 and 0.03742; gnomAD 0.02264 and 0.02435; 1000 Genomes Project 0.10144.
gnomAD v4.1: 3,426 of 196,390 alleles (1.7%); highest among the groups gnomAD compares: African/African-American, 9.4%; 68 homozygotes.

Submission:

Illumina Laboratory Services, Illumina
Classification: Benign for Methylmalonic aciduria, cblB type. Last evaluated: 2018-03-26. Review status: criteria provided, single submitter. Criteria: ICSL Variant Classification Criteria 13 December 2019. Collection method: clinical testing. Allele origin: germline.
Comment: This variant was observed in the ICSL laboratory as part of a predisposition screen in an ostensibly healthy population. It had not been previously curated by ICSL or reported in the Human Gene Mutation Database (HGMD: prior to June 1st, 2018), and was therefore a candidate for classification through an automated scoring system. Utilizing variant allele frequency, disease prevalence and penetrance estimates, and inheritance mode, an automated score was calculated to assess if this variant is too frequent to cause the disease. Based on the score and internal cut-off values, a variant classified as benign is not then subjected to further curation. The score for this variant resulted in a classification of benign for this disease.

NM_052845.4(MMAB):c.*374T>A

Gene: MMAB (metabolism of cobalamin associated B; minus strand). Cytogenetic location: 12q24.11.
Variant type: single nucleotide variant.
Coding change: c.*374T>A on transcript NM_052845.4 (MANE Select); 374 bases downstream of the stop codon, T replaced by A.
Molecular consequence: 3 prime UTR variant. On other transcripts: non-coding transcript variant (1).
Genome position (GRCh38, 1-based): chr12:109,556,654, A>T on the plus strand (T>A on the coding strand, the complement: MMAB is on the minus strand). VCF-style: chr12-109556654-A-T. GRCh37 (hg19) VCF-style: chr12-109994459-A-T.
Identifiers: ClinVar variation 883438 (VCV000883438.4), dbSNP rs549601416, ClinGen allele CA6778699.